The following is an entry in ClinVar:

NM_001142800.2(EYS):c.749-2A>G

Gene: EYS (EGF-like photoreceptor maintenance factor; minus strand). Cytogenetic location: 6q12.
Variant type: single nucleotide variant.
Coding change: c.749-2A>G on transcript NM_001142800.2 (MANE Select); the canonical splice acceptor site of the intron before coding-DNA position 749, A replaced by G.
Molecular consequence: splice acceptor variant.
Genome position (GRCh38, 1-based): chr6:65,490,709, T>C on the plus strand (A>G on the coding strand, the complement: EYS is on the minus strand). VCF-style: chr6-65490709-T-C. GRCh37 (hg19) VCF-style: chr6-66200602-T-C.
Other names: c.749-2A>G (NM_001292009.2, NM_001142801.2, NM_198283.2).
Identifiers: ClinVar variation 1499530 (VCV001499530.11), dbSNP rs1766011028, ClinGen allele CA364789213.

ClinVar aggregate classification (germline): Conflicting classifications of pathogenicity. Review status: criteria provided, conflicting classifications (1 of 4 stars). 3 submissions from 3 submitters: Likely pathogenic (2); Uncertain significance (1). Last evaluated 2024-02-22.

Conditions:
Retinitis pigmentosa 25 (RP25). Identifiers: Orphanet 791, MedGen C1864446, MONDO:0011272, OMIM 602772.
Retinal dystrophy. Also called: Inherited retinal dystrophy. Identifiers: Orphanet 71862, MedGen C0854723, MeSH D058499, MONDO:0019118, HP:0000556.

Allele frequency attached by ClinVar (database versions not stated): gnomAD exomes below 0.00001.
gnomAD v4.1: 2 of 1,604,398 alleles (0.00012%); highest among the groups gnomAD compares: African/African-American, 0.0013%; no homozygotes.

Submissions (3):

Labcorp Genetics (formerly Invitae), Labcorp
Classification: Likely pathogenic. Last evaluated: 2024-02-22. Review status: criteria provided, single submitter. Criteria: Invitae Variant Classification Sherloc (09022015). Collection method: clinical testing. Allele origin: germline.
Comment: This sequence change affects an acceptor splice site in intron 4 of the EYS gene. It is expected to disrupt RNA splicing. Variants that disrupt the donor or acceptor splice site typically lead to a loss of protein function (PMID: 16199547), and loss-of-function variants in EYS are known to be pathogenic (PMID: 18836446, 20333770). This variant is not present in population databases (gnomAD no frequency). This variant has not been reported in the literature in individuals affected with EYS-related conditions. ClinVar contains an entry for this variant (Variation ID: 1499530). Algorithms developed to predict the effect of sequence changes on RNA splicing suggest that this variant may disrupt the consensus splice site. In summary, the currently available evidence indicates that the variant is pathogenic, but additional data are needed to prove that conclusively. Therefore, this variant has been classified as Likely Pathogenic.

Baylor Genetics
Classification: Likely pathogenic for Retinitis pigmentosa 25. Last evaluated: 2024-02-06. Review status: criteria provided, single submitter. Criteria: ACMG Guidelines, 2015. Collection method: clinical testing. Allele origin: unknown.

Dept Of Ophthalmology, Nagoya University
Classification: Uncertain significance for Retinal dystrophy. Last evaluated: 2023-10-01. Review status: criteria provided, single submitter. Criteria: Submitter's publication. Collection method: research. Allele origin: germline. Affected: yes.

Literature cited by the submitters: PubMed 16199547 (cited by Labcorp Genetics (formerly Invitae), Labcorp); PubMed 18836446 (cited by Labcorp Genetics (formerly Invitae), Labcorp); PubMed 20333770 (cited by Labcorp Genetics (formerly Invitae), Labcorp).